The following is an entry in ClinVar:

ClinVar aggregate classification (germline): Conflicting classifications of pathogenicity. Review status: criteria provided, conflicting classifications (1 of 4 stars). 6 submissions from 6 submitters: Uncertain significance (4); Likely benign (2). Last evaluated 2025-12-01.

Conditions:
Hyperplastic polyposis syndrome. Identifiers: Orphanet 157798, MedGen C4296896, MONDO:0015524.
Sessile serrated polyposis cancer syndrome (SSPCS). Identifiers: Orphanet 157798, MedGen C4310714, MONDO:0014919, OMIM 617108.

Allele frequency attached by ClinVar (database versions not stated): gnomAD exomes 0.00006; gnomAD 0.00007 and 0.00006; ExAC 0.00009; 1000 Genomes Project 30x 0.00016; 1000 Genomes Project 0.00020; TOPMed 0.00003.
gnomAD v4.1: 35 of 1,609,052 alleles (0.0022%); highest among the groups gnomAD compares: East Asian, 0.018%; no homozygotes.

Submissions (6):

Labcorp Genetics (formerly Invitae), Labcorp
Classification: Uncertain significance. Last evaluated: 2025-12-01. Review status: criteria provided, single submitter. Criteria: Invitae Variant Classification Sherloc (09022015). Collection method: clinical testing. Allele origin: germline.
Comment: This sequence change replaces arginine, which is basic and polar, with glutamine, which is neutral and polar, at codon 561 of the RNF43 protein (p.Arg561Gln). This variant is present in population databases (rs553934414, gnomAD 0.06%), and has an allele count higher than expected for a pathogenic variant. This variant has not been reported in the literature in individuals affected with RNF43-related conditions. ClinVar contains an entry for this variant (Variation ID: 1502506). An algorithm developed to predict the effect of missense changes on protein structure and function outputs the following: PolyPhen-2: "Benign". The glutamine amino acid residue is found in multiple mammalian species, which suggests that this missense change does not adversely affect protein function. In summary, the available evidence is currently insufficient to determine the role of this variant in disease. Therefore, it has been classified as a Variant of Uncertain Significance.

Center for Genomic Medicine, Rigshospitalet, Copenhagen University Hospital
Classification: Uncertain significance. Last evaluated: 2025-03-04. Review status: criteria provided, single submitter. Criteria: ACMG Guidelines, 2015. Collection method: clinical testing. Allele origin: germline.

Ambry Genetics
Classification: Likely benign. Last evaluated: 2025-02-11. Review status: criteria provided, single submitter. Criteria: Ambry Variant Classification Scheme 2023. Collection method: clinical testing. Allele origin: germline.

GeneDx
Classification: Uncertain significance. Last evaluated: 2024-06-06. Review status: criteria provided, single submitter. Criteria: GeneDx Variant Classification Process June 2021. Collection method: clinical testing. Allele origin: germline. Affected: yes.
Comment: Variants in candidate genes are classified as variants of uncertain significance in accordance with ACMG guidelines (PMID: 25741868); In silico analysis indicates that this missense variant does not alter protein structure/function; Has not been previously published as pathogenic or benign to our knowledge

Fulgent Genetics
Classification: Uncertain significance for Sessile serrated polyposis cancer syndrome. Last evaluated: 2024-05-23. Review status: criteria provided, single submitter. Criteria: ACMG Guidelines, 2015. Collection method: clinical testing. Allele origin: germline.

Department of Pathology and Laboratory Medicine, Sinai Health System
Classification: Likely benign for Hyperplastic polyposis syndrome. Last evaluated: 2023-09-14. Review status: criteria provided, single submitter. Criteria: ACMG Guidelines, 2015. Collection method: clinical testing. Allele origin: germline. Affected: yes.

NM_017763.6(RNF43):c.1682G>A (p.Arg561Gln)

Gene: RNF43 (ring finger protein 43; minus strand). Cytogenetic location: 17q22.
Variant type: single nucleotide variant.
Coding change: c.1682G>A on transcript NM_017763.6 (MANE Select); coding-DNA position 1682, G replaced by A.
Protein change: p.Arg561Gln; replaces arginine 561 with glutamine.
Molecular consequence: missense variant.
Genome position (GRCh38, 1-based): chr17:58,358,094, C>T on the plus strand (G>A on the coding strand, the complement: RNF43 is on the minus strand). VCF-style: chr17-58358094-C-T. GRCh37 (hg19) VCF-style: chr17-56435455-C-T.
Other names: c.1682G>A, p.Arg561Gln (NM_001305544.3); c.1301G>A, p.Arg434Gln (NM_001305545.2); short protein forms R434Q, R561Q.
Identifiers: ClinVar variation 1502506 (VCV001502506.12), dbSNP rs553934414, ClinGen allele CA8673133.
Genomic context (GRCh38, chr17:58,358,094, plus strand): 5'-GGAGGCCTGGACTGGGGGACTCCGGTTTCTGGGCCAGGCTTCCTGCCATGCCACTGGAAC[C>T]GCTTTTTGTAGTGGTGGTGCCGGTGGCGGTGGTAGTGGACATGGCTGGAAACCTGGGTTT-3'
Protein context (NP_060233.3, residues 551-571): HRHRHHHYKK[Arg561Gln]FQWHGRKPGP